The following is an entry in ClinVar:

NM_001145715.3(KPNA7):c.1135-10T>G

Gene: KPNA7 (karyopherin subunit alpha 7; minus strand). Cytogenetic location: 7q22.1.
Variant type: single nucleotide variant.
Coding change: c.1135-10T>G on transcript NM_001145715.3 (MANE Select); 10 bases into the intron before coding-DNA position 1135, T replaced by G.
Molecular consequence: intron variant.
Genome position (GRCh38, 1-based): chr7:99,182,075, A>C on the plus strand (T>G on the coding strand, the complement: KPNA7 is on the minus strand). VCF-style: chr7-99182075-A-C. GRCh37 (hg19) VCF-style: chr7-98779698-A-C.
Identifiers: ClinVar variation 1006097 (VCV001006097.10), dbSNP rs1352162258, ClinGen allele CA576719884.

ClinVar aggregate classification (germline): Uncertain significance (1 of 4 stars; one submission).

Allele frequency attached by ClinVar (database versions not stated): gnomAD exomes below 0.00001 and 0.00001.

Submission:

Labcorp Genetics (formerly Invitae), Labcorp
Classification: Uncertain significance. Last evaluated: 2020-01-02. Review status: criteria provided, single submitter. Criteria: Invitae Variant Classification Sherloc (09022015). Collection method: clinical testing. Allele origin: germline.
Comment: In summary, the available evidence is currently insufficient to determine the role of this variant in disease. Therefore, it has been classified as a Variant of Uncertain Significance. Algorithms developed to predict the effect of sequence changes on RNA splicing suggest that this variant may disrupt the consensus splice site, but this prediction has not been confirmed by published transcriptional studies. This variant has not been reported in the literature in individuals with KPNA7-related conditions. The frequency data for this variant in the population databases is considered unreliable, as metrics indicate insufficient coverage at this position in the ExAC database. This sequence change falls in intron 7 of the KPNA7 gene. It does not directly change the encoded amino acid sequence of the KPNA7 protein.